The following is an entry in ClinVar:

NM_024496.4(IRF2BPL):c.471C>T (p.Ala157=)

Gene: IRF2BPL (interferon regulatory factor 2 binding protein like; minus strand). Cytogenetic location: 14q24.3.
Variant type: single nucleotide variant.
Coding change: c.471C>T on transcript NM_024496.4 (MANE Select); coding-DNA position 471, C replaced by T.
Protein change: p.Ala157=; no amino-acid change (alanine 157 retained).
Molecular consequence: synonymous variant.
Genome position (GRCh38, 1-based): chr14:77,027,322, G>A on the plus strand (C>T on the coding strand, the complement: IRF2BPL is on the minus strand). VCF-style: chr14-77027322-G-A. GRCh37 (hg19) VCF-style: chr14-77493665-G-A.
Identifiers: ClinVar variation 4681375 (VCV004681375.5).

ClinVar aggregate classification (germline): Likely benign (1 of 4 stars; one submission).

Submission:

CeGaT Center for Human Genetics Tuebingen
Classification: Likely benign. Last evaluated: 2026-02-01. Review status: criteria provided, single submitter. Criteria: CeGaT Center For Human Genetics Tuebingen Variant Classification Criteria Version 2. Collection method: clinical testing. Allele origin: germline. Affected: yes. Observed: 2 variant alleles.
Comment: IRF2BPL: BP4, BP7